The following is an entry in ClinVar:

ClinVar aggregate classification (germline): Uncertain significance. Review status: criteria provided, multiple submitters, no conflicts (2 of 4 stars). 2 submissions from 2 submitters: Uncertain significance (2). Last evaluated 2025-08-08.

Conditions:
Inborn genetic diseases. Identifiers: MedGen C0950123, MeSH D030342.

gnomAD v4.1: 2 of 1,613,866 alleles (0.00012%); highest among the groups gnomAD compares: South Asian, 0.0022%; no homozygotes.

Submissions (2):

Ambry Genetics
Classification: Uncertain significance for Inborn genetic diseases. Last evaluated: 2025-08-08. Review status: criteria provided, single submitter. Criteria: Ambry Variant Classification Scheme 2023. Collection method: clinical testing. Allele origin: germline.

Labcorp Genetics (formerly Invitae), Labcorp
Classification: Uncertain significance. Last evaluated: 2022-04-12. Review status: criteria provided, single submitter. Criteria: Invitae Variant Classification Sherloc (09022015). Collection method: clinical testing. Allele origin: germline.
Comment: In summary, the available evidence is currently insufficient to determine the role of this variant in disease. Therefore, it has been classified as a Variant of Uncertain Significance. Algorithms developed to predict the effect of missense changes on protein structure and function are either unavailable or do not agree on the potential impact of this missense change (SIFT: "Deleterious"; PolyPhen-2: "Probably Damaging"; Align-GVGD: "Class C15"). This variant has not been reported in the literature in individuals affected with CAPN1-related conditions. This variant is not present in population databases (gnomAD no frequency). This sequence change replaces aspartic acid, which is acidic and polar, with tyrosine, which is neutral and polar, at codon 356 of the CAPN1 protein (p.Asp356Tyr).

NM_005186.4(CAPN1):c.1066G>T (p.Asp356Tyr)

Gene: CAPN1 (calpain 1; plus strand). Cytogenetic location: 11q13.1.
Variant type: single nucleotide variant.
Coding change: c.1066G>T on transcript NM_005186.4 (MANE Select); coding-DNA position 1066, G replaced by T.
Protein change: p.Asp356Tyr; replaces aspartic acid 356 with tyrosine.
Molecular consequence: missense variant. On other transcripts: non-coding transcript variant (1).
Genome position (GRCh38, 1-based): chr11:65,188,647, G>T. VCF-style: chr11-65188647-G-T. GRCh37 (hg19) VCF-style: chr11-64956118-G-T.
Other names: c.1066G>T, p.Asp356Tyr (NM_001198868.2, NM_001198869.2); c.904G>T, p.Asp302Tyr (NM_001198870.1); c.1066G>T (NM_001198868.1); short protein forms D356Y, D302Y.
Identifiers: ClinVar variation 2120425 (VCV002120425.5), dbSNP rs751877160, ClinGen allele CA381248763.
Genomic context (GRCh38, chr11:65,188,647, plus strand): 5'-ATGTCATTCCGAGACTTCATGCGGGAGTTCACCCGCCTGGAGATCTGCAACCTCACACCC[G>T]ACGCCCTCAAGAGCCGGACCATCCGCAAATGGAACACCACACTCTACGAAGGCACCTGGC-3'
Protein context (NP_005177.2, residues 346-366): TRLEICNLTP[Asp356Tyr]ALKSRTIRKW